The following is an entry in ClinVar:

ClinVar aggregate classification (germline): Likely benign (1 of 4 stars; one submission).

Allele frequency attached by ClinVar (database versions not stated): ExAC 0.00015; gnomAD 0.00020; TOPMed 0.00026; gnomAD exomes 0.00038; 1000 Genomes Project 30x 0.00042; ESP Exome Variant Server 0.00049.
gnomAD v4.1: 428 of 1,210,129 alleles (0.035%); highest among the groups gnomAD compares: Non-Finnish European, 0.047%; 1 homozygote.

Submission:

CeGaT Center for Human Genetics Tuebingen
Classification: Likely benign. Last evaluated: 2022-11-01. Review status: criteria provided, single submitter. Criteria: CeGaT Center For Human Genetics Tuebingen Variant Classification Criteria Version 2. Collection method: clinical testing. Allele origin: germline. Affected: yes. Observed: 1 variant allele.
Comment: KIAA1210: BP4, BS2

NM_001394962.1(KIAA1210):c.1079G>A (p.Arg360Lys)

Gene: KIAA1210 (KIAA1210; minus strand). Cytogenetic location: Xq24.
Variant type: single nucleotide variant.
Coding change: c.1079G>A on transcript NM_001394962.1 (MANE Select); coding-DNA position 1079, G replaced by A.
Protein change: p.Arg360Lys; replaces arginine 360 with lysine.
Molecular consequence: missense variant.
Genome position (GRCh38, 1-based): chrX:119,089,623, C>T on the plus strand (G>A on the coding strand, the complement: KIAA1210 is on the minus strand). VCF-style: chrX-119089623-C-T. GRCh37 (hg19) VCF-style: chrX-118223586-C-T.
Other names: c.1607G>A, p.Arg536Lys (NM_020721.1); short protein forms R360K, R536K.
Identifiers: ClinVar variation 2661288 (VCV002661288.24), dbSNP rs200783665, ClinGen allele CA10501277.
Genomic context (GRCh38, chrX:119,089,623, plus strand): 5'-CTTCTTCCTTTGAATTCACACCCACTCAATCCTGAAACACTTGCTCCTTTTCTTCTCCAT[C>T]TTCTTCCATATGCTGCTGACATTGGATAGCCCTGACTCCGAGAAGCATCAGTGTTTGGAG-3'
Protein context (NP_001381891.1, residues 350-370): GYPMSAAYGR[Arg360Lys]WRRKGASVSG